The following is an entry in ClinVar:

NM_052947.4(ALPK2):c.1480A>G (p.Thr494Ala)

Gene: ALPK2 (alpha kinase 2; minus strand). Cytogenetic location: 18q21.31.
Variant type: single nucleotide variant.
Coding change: c.1480A>G on transcript NM_052947.4 (MANE Select); coding-DNA position 1480, A replaced by G.
Protein change: p.Thr494Ala; replaces threonine 494 with alanine.
Molecular consequence: missense variant.
Genome position (GRCh38, 1-based): chr18:58,579,296, T>C on the plus strand (A>G on the coding strand, the complement: ALPK2 is on the minus strand). VCF-style: chr18-58579296-T-C. GRCh37 (hg19) VCF-style: chr18-56246528-T-C.
Other names: short protein forms T494A.
Identifiers: ClinVar variation 3290678 (VCV003290678.1).
Genomic context (GRCh38, chr18:58,579,296, plus strand): 5'-TCTCCCAACACTGGCTCATCCCTGAGTTTTCTGACTCACCAGACAAGAGCTTCATCTCTG[T>C]CTCTCTTACTGATTCATCCATGTTGAGCAGATTGTCACTGGCAAATTCCTCTCTTGCTTG-3'
Protein context (NP_443179.3, residues 484-504): LLNMDESVRE[Thr494Ala]EMKLLSGESE

ClinVar aggregate classification (germline): Uncertain significance (1 of 4 stars; one submission).

gnomAD v4.1: 4 of 1,614,156 alleles (0.00025%); highest among the groups gnomAD compares: South Asian, 0.0033%; no homozygotes.

Submission:

Ambry Genetics
Classification: Uncertain significance. Last evaluated: 2024-06-08. Review status: criteria provided, single submitter. Criteria: Ambry Variant Classification Scheme 2023. Collection method: clinical testing. Allele origin: germline.
Comment: The p.T494A variant (also known as c.1480A>G), located in coding exon 3 of the ALPK2 gene, results from an A to G substitution at nucleotide position 1480. The threonine at codon 494 is replaced by alanine, an amino acid with similar properties. This amino acid position is conserved. In addition, this alteration is predicted to be tolerated by in silico analysis. Based on the available evidence, the clinical significance of this variant remains unclear.